The following is an entry in ClinVar:

NM_152305.3(POGLUT1):c.1111T>C (p.Ser371Pro)

Gene: POGLUT1 (protein O-glucosyltransferase 1; plus strand). Cytogenetic location: 3q13.33.
Variant type: single nucleotide variant.
Coding change: c.1111T>C on transcript NM_152305.3 (MANE Select); coding-DNA position 1111, T replaced by C.
Protein change: p.Ser371Pro; replaces serine 371 with proline.
Molecular consequence: missense variant. On other transcripts: non-coding transcript variant (1).
Genome position (GRCh38, 1-based): chr3:119,492,370, T>C. VCF-style: chr3-119492370-T-C. GRCh37 (hg19) VCF-style: chr3-119211217-T-C.
Other names: short protein forms S371P.
Identifiers: ClinVar variation 790796 (VCV000790796.19), dbSNP rs114296047, ClinGen allele CA2555053.

ClinVar aggregate classification (germline): Benign/Likely benign. Review status: criteria provided, multiple submitters, no conflicts (2 of 4 stars). 5 submissions from 5 submitters: Benign (2); Likely benign (2). 1 of the submissions does not count toward it. Last evaluated 2026-02-01.

Conditions:
POGLUT1-related disorder. Also called: POGLUT1-related condition.

Allele frequency attached by ClinVar (database versions not stated): gnomAD exomes 0.00031 and 0.00071; ExAC 0.00075; gnomAD 0.00248 and 0.00262; TOPMed 0.00297; ESP Exome Variant Server 0.00308; 1000 Genomes Project 0.00359; 1000 Genomes Project 30x 0.00375.
gnomAD v4.1: 859 of 1,607,342 alleles (0.053%); highest among the groups gnomAD compares: African/African-American, 0.78%; 1 homozygote.

Submissions (5):

Labcorp Genetics (formerly Invitae), Labcorp
Classification: Benign. Last evaluated: 2026-02-01. Review status: criteria provided, single submitter. Criteria: Invitae Variant Classification Sherloc (09022015). Collection method: clinical testing. Allele origin: germline.

CeGaT Center for Human Genetics Tuebingen
Classification: Likely benign. Last evaluated: 2025-12-01. Review status: criteria provided, single submitter. Criteria: CeGaT Center For Human Genetics Tuebingen Variant Classification Criteria Version 2. Collection method: clinical testing. Allele origin: germline. Affected: yes. Observed: 1 variant allele.
Comment: POGLUT1: BP4

Blueprint Genetics
Classification: Likely benign. Last evaluated: 2024-11-01. Review status: criteria provided, single submitter. Criteria: ACMG Guidelines, 2015. Collection method: clinical testing. Allele origin: germline.

Breakthrough Genomics
Classification: Benign. Review status: criteria provided, single submitter. Criteria: ACMG Guidelines, 2015. Collection method: not provided. Allele origin: germline. Inheritance: Autosomal recessive inheritance. Affected: yes.

PreventionGenetics, part of Exact Sciences
Classification: Likely benign for POGLUT1-related condition. Last evaluated: 2022-05-31. Review status: no assertion criteria provided. Collection method: clinical testing. Allele origin: germline. Not counted in ClinVar's aggregate classification.
Comment: This variant is classified as likely benign based on ACMG/AMP sequence variant interpretation guidelines (Richards et al. 2015 PMID: 25741868, with internal and published modifications).